The following is an entry in ClinVar:

ClinVar aggregate classification (germline): Uncertain significance. Review status: criteria provided, multiple submitters, no conflicts (2 of 4 stars). 2 submissions from 2 submitters: Uncertain significance (2). Last evaluated 2023-07-08.

Conditions:
Bethlem myopathy 1A. Also called: MYOPATHY, BENIGN CONGENITAL, WITH CONTRACTURES; Bethlem Muscular Dystrophy; Bethlem myopathy 1. Identifiers: Orphanet 610, MedGen CN029274, MONDO:0024530, OMIM 158810.

Submissions (2):

Labcorp Genetics (formerly Invitae), Labcorp
Classification: Uncertain significance for Bethlem myopathy 1A. Last evaluated: 2023-07-08. Review status: criteria provided, single submitter. Criteria: Invitae Variant Classification Sherloc (09022015). Collection method: clinical testing. Allele origin: germline.
Comment: In summary, the available evidence is currently insufficient to determine the role of this variant in disease. Therefore, it has been classified as a Variant of Uncertain Significance. Advanced modeling of protein sequence and biophysical properties (such as structural, functional, and spatial information, amino acid conservation, physicochemical variation, residue mobility, and thermodynamic stability) performed at Invitae indicates that this missense variant is not expected to disrupt COL6A3 protein function. ClinVar contains an entry for this variant (Variation ID: 1315265). This variant has not been reported in the literature in individuals affected with COL6A3-related conditions. This variant is not present in population databases (gnomAD no frequency). This sequence change replaces alanine, which is neutral and non-polar, with threonine, which is neutral and polar, at codon 1965 of the COL6A3 protein (p.Ala1965Thr).

GeneDx
Classification: Uncertain significance. Last evaluated: 2020-02-21. Review status: criteria provided, single submitter. Criteria: GeneDx Variant Classification Process June 2021. Collection method: clinical testing. Allele origin: germline. Affected: yes.
Comment: Not observed in large population cohorts (Lek et al., 2016); In silico analysis supports that this missense variant does not alter protein structure/function; Has not been previously published as pathogenic or benign to our knowledge

NM_004369.4(COL6A3):c.5893G>A (p.Ala1965Thr)

Gene: COL6A3 (collagen type VI alpha 3 chain; minus strand). Cytogenetic location: 2q37.3.
Variant type: single nucleotide variant.
Coding change: c.5893G>A on transcript NM_004369.4 (MANE Select); coding-DNA position 5893, G replaced by A.
Protein change: p.Ala1965Thr; replaces alanine 1965 with threonine.
Molecular consequence: missense variant.
Genome position (GRCh38, 1-based): chr2:237,364,374, C>T on the plus strand (G>A on the coding strand, the complement: COL6A3 is on the minus strand). VCF-style: chr2-237364374-C-T. GRCh37 (hg19) VCF-style: chr2-238273017-C-T.
Other names: c.4072G>A, p.Ala1358Thr (NM_057166.5); c.5275G>A, p.Ala1759Thr (NM_057167.4); short protein forms A1358T, A1759T, A1965T.
Identifiers: ClinVar variation 1315265 (VCV001315265.5), dbSNP rs1364239110, ClinGen allele CA351219674.
Genomic context (GRCh38, chr2:237,364,374, plus strand): 5'-GTTTACTTCTCATATTTAGAAAGCCTTGGCACCTACCTTCTTGGCGGAGGTTCTCAGATG[C>T]TCTGTGTAAATCAGCCAGATCTCCGTCTGCTCCATCAGTAAAATGAATGACCACCTGCAG-3'
Protein context (NP_004360.2, residues 1955-1975): ADGDLADLHR[Ala1965Thr]SENLRQEGVR